The following is an entry in ClinVar:

ClinVar aggregate classification (germline): Uncertain significance (1 of 4 stars; one submission).

Submission:

Labcorp Genetics (formerly Invitae), Labcorp
Classification: Uncertain significance. Last evaluated: 2023-06-20. Review status: criteria provided, single submitter. Criteria: Invitae Variant Classification Sherloc (09022015). Collection method: clinical testing. Allele origin: germline.
Comment: This sequence change replaces leucine, which is neutral and non-polar, with valine, which is neutral and non-polar, at codon 343 of the FRMD7 protein (p.Leu343Val). This variant is not present in population databases (gnomAD no frequency). This variant has not been reported in the literature in individuals affected with FRMD7-related conditions. An algorithm developed to predict the effect of missense changes on protein structure and function (PolyPhen-2) suggests that this variant is likely to be tolerated. In summary, the available evidence is currently insufficient to determine the role of this variant in disease. Therefore, it has been classified as a Variant of Uncertain Significance.

NM_194277.3(FRMD7):c.1027C>G (p.Leu343Val)

Gene: FRMD7 (FERM domain containing 7; minus strand). Cytogenetic location: Xq26.2.
Variant type: single nucleotide variant.
Coding change: c.1027C>G on transcript NM_194277.3 (MANE Select); coding-DNA position 1027, C replaced by G.
Protein change: p.Leu343Val; replaces leucine 343 with valine.
Molecular consequence: missense variant.
Genome position (GRCh38, 1-based): chrX:132,080,029, G>C on the plus strand (C>G on the coding strand, the complement: FRMD7 is on the minus strand). VCF-style: chrX-132080029-G-C. GRCh37 (hg19) VCF-style: chrX-131214057-G-C.
Other names: c.982C>G, p.Leu328Val (NM_001306193.2); short protein forms L328V, L343V.
Identifiers: ClinVar variation 2903379 (VCV002903379.3), dbSNP rs2520714018, ClinGen allele CA414680009.
Genomic context (GRCh38, chrX:132,080,029, plus strand): 5'-ATTTATCTAAAGAAGTAGAAATTTTCAGAAACCTTACTTGTTTTGACACATCAGAGAGGA[G>C]GTCTGGTGAGGACCTGCACTGTCGTTCATGGTACTGAGATGGGTAATGTTTCCTGAAATC-3'
Protein context (NP_919253.1, residues 333-353): HERQCRSSPD[Leu343Val]LSDVSKQVED